The following is an entry in ClinVar:

ClinVar aggregate classification (germline): Uncertain significance (1 of 4 stars; one submission).

Conditions:
Immunodeficiency. Identifiers: MedGen C0021051, MONDO:0021094, HP:0002721.

gnomAD v4.1: 1 of 1,614,124 alleles (0.000062%); highest among the groups gnomAD compares: Non-Finnish European, 0.000085%; no homozygotes.

Submission:

Labcorp Genetics (formerly Invitae), Labcorp
Classification: Uncertain significance for Immunodeficiency. Last evaluated: 2025-07-30. Review status: criteria provided, single submitter. Criteria: Invitae Variant Classification Sherloc (09022015). Collection method: clinical testing. Allele origin: germline.
Comment: This sequence change replaces proline, which is neutral and non-polar, with leucine, which is neutral and non-polar, at codon 1001 of the NFAT5 protein (p.Pro1001Leu). This variant is present in population databases (no rsID available, gnomAD 0.0009%). This variant has not been reported in the literature in individuals affected with NFAT5-related conditions. An algorithm developed to predict the effect of missense changes on protein structure and function (PolyPhen-2) suggests that this variant is likely to be tolerated. In summary, the available evidence is currently insufficient to determine the role of this variant in disease. Therefore, it has been classified as a Variant of Uncertain Significance.

NM_138713.4(NFAT5):c.3284C>T (p.Pro1095Leu)

Gene: NFAT5 (nuclear factor of activated T cells 5; plus strand). Cytogenetic location: 16q22.1.
Variant type: single nucleotide variant.
Coding change: c.3284C>T on transcript NM_138713.4 (MANE Select); coding-DNA position 3284, C replaced by T.
Protein change: p.Pro1095Leu; replaces proline 1095 with leucine.
Molecular consequence: missense variant.
Genome position (GRCh38, 1-based): chr16:69,693,109, C>T. VCF-style: chr16-69693109-C-T. GRCh37 (hg19) VCF-style: chr16-69727012-C-T.
Other names: c.3281C>T, p.Pro1094Leu (NM_001113178.3); c.2609C>T, p.Pro870Leu (NM_001367709.1); c.3230C>T, p.Pro1077Leu (NM_006599.4); c.3002C>T, p.Pro1001Leu (NM_138714.4, NM_173214.3, NM_173215.3); short protein forms P1001L, P1077L, P1094L, P1095L, P870L.
Identifiers: ClinVar variation 4808377 (VCV004808377.1).
Genomic context (GRCh38, chr16:69,693,109, plus strand): 5'-CTGGAAATTTTTTGCAGCAGTCTTCTCATTCACAGGCCCAACTTTTTCATCCTCAAAATC[C>T]TATTGCCGATGCTCAGAACCTTTCCCAGGAAACTCAAGGTTCTCTCTTTCATAGTCCAAA-3'
Protein context (NP_619727.2, residues 1085-1105): SQAQLFHPQN[Pro1095Leu]IADAQNLSQE